The following is an entry in ClinVar:

NM_003331.5(TYK2):c.1399G>A (p.Glu467Lys)

Gene: TYK2 (tyrosine kinase 2; minus strand). Cytogenetic location: 19p13.2.
Variant type: single nucleotide variant.
Coding change: c.1399G>A on transcript NM_003331.5 (MANE Select); coding-DNA position 1399, G replaced by A.
Protein change: p.Glu467Lys; replaces glutamic acid 467 with lysine.
Molecular consequence: missense variant.
Genome position (GRCh38, 1-based): chr19:10,362,626, C>T on the plus strand (G>A on the coding strand, the complement: TYK2 is on the minus strand). VCF-style: chr19-10362626-C-T. GRCh37 (hg19) VCF-style: chr19-10473302-C-T.
Other names: c.1399G>A (LRG_121t1); short protein forms E467K.
Identifiers: ClinVar variation 652005 (VCV000652005.11), dbSNP rs779259245, ClinGen allele CA9193425.

ClinVar aggregate classification (germline): Uncertain significance. Review status: criteria provided, multiple submitters, no conflicts (2 of 4 stars). 3 submissions from 3 submitters: Uncertain significance (3). Last evaluated 2024-11-19.

Conditions:
Immunodeficiency 35 (IMD35). Also called: HIES WITH ATYPICAL MYCOBACTERIOSIS, AUTOSOMAL RECESSIVE; HYPER-IgE SYNDROME WITH ATYPICAL MYCOBACTERIOSIS, AUTOSOMAL RECESSIVE; Susceptibility to infection due to TYK2 deficiency; TYK2 DEFICIENCY. Identifiers: Orphanet 331226, MedGen C1969086, MONDO:0012682, OMIM 611521.

Allele frequency attached by ClinVar (database versions not stated): ExAC below 0.00001; gnomAD 0.00002 and 0.00003; gnomAD exomes 0.00002 and 0.00006; TOPMed 0.00003.
gnomAD v4.1: 37 of 1,551,870 alleles (0.0024%); highest among the groups gnomAD compares: South Asian, 0.02%; no homozygotes.

Submissions (3):

Labcorp Genetics (formerly Invitae), Labcorp
Classification: Uncertain significance for Immunodeficiency 35. Last evaluated: 2024-11-19. Review status: criteria provided, single submitter. Criteria: Invitae Variant Classification Sherloc (09022015). Collection method: clinical testing. Allele origin: germline.
Comment: This sequence change replaces glutamic acid, which is acidic and polar, with lysine, which is basic and polar, at codon 467 of the TYK2 protein (p.Glu467Lys). This variant is present in population databases (rs779259245, gnomAD 0.03%). This variant has not been reported in the literature in individuals affected with TYK2-related conditions. ClinVar contains an entry for this variant (Variation ID: 652005). Invitae Evidence Modeling of protein sequence and biophysical properties (such as structural, functional, and spatial information, amino acid conservation, physicochemical variation, residue mobility, and thermodynamic stability) indicates that this missense variant is not expected to disrupt TYK2 protein function with a negative predictive value of 80%. In summary, the available evidence is currently insufficient to determine the role of this variant in disease. Therefore, it has been classified as a Variant of Uncertain Significance.

Blueprint Genetics
Classification: Uncertain significance. Last evaluated: 2022-11-17. Review status: criteria provided, single submitter. Criteria: ACMG Guidelines, 2015. Collection method: clinical testing. Allele origin: germline.

Revvity Omics, Revvity
Classification: Uncertain significance for Immunodeficiency 35. Last evaluated: 2019-03-15. Review status: criteria provided, single submitter. Criteria: ACMG Guidelines, 2015. Collection method: clinical testing. Allele origin: germline.